The following is an entry in ClinVar:

ClinVar aggregate classification (germline): Uncertain significance. Review status: criteria provided, multiple submitters, no conflicts (2 of 4 stars). 3 submissions from 3 submitters: Uncertain significance (3). Last evaluated 2024-02-24.

Conditions:
Inborn genetic diseases. Identifiers: MedGen C0950123, MeSH D030342.
Fanconi anemia (FA). Also called: Fanconi's anemia. Identifiers: Orphanet 84, MedGen C0015625, MeSH D005199, MONDO:0019391.

Allele frequency attached by ClinVar (database versions not stated): gnomAD exomes below 0.00001 and 0.00001; gnomAD 0.00001; TOPMed 0.00008.
gnomAD v4.1: 6 of 1,209,390 alleles (0.0005%); highest among the groups gnomAD compares: Admixed American, 0.0044%; no homozygotes.

Submissions (3):

Labcorp Genetics (formerly Invitae), Labcorp
Classification: Uncertain significance for Fanconi anemia. Last evaluated: 2024-02-24. Review status: criteria provided, single submitter. Criteria: Invitae Variant Classification Sherloc (09022015). Collection method: clinical testing. Allele origin: germline.
Comment: This sequence change replaces glutamic acid, which is acidic and polar, with alanine, which is neutral and non-polar, at codon 807 of the FANCB protein (p.Glu807Ala). This variant is present in population databases (no rsID available, gnomAD 0.004%). This variant has not been reported in the literature in individuals affected with FANCB-related conditions. ClinVar contains an entry for this variant (Variation ID: 526422). Advanced modeling of protein sequence and biophysical properties (such as structural, functional, and spatial information, amino acid conservation, physicochemical variation, residue mobility, and thermodynamic stability) performed at Invitae indicates that this missense variant is not expected to disrupt FANCB protein function with a negative predictive value of 80%. In summary, the available evidence is currently insufficient to determine the role of this variant in disease. Therefore, it has been classified as a Variant of Uncertain Significance.

Ambry Genetics
Classification: Uncertain significance for Inborn genetic diseases. Last evaluated: 2023-12-09. Review status: criteria provided, single submitter. Criteria: Ambry Variant Classification Scheme 2023. Collection method: clinical testing. Allele origin: germline.

Sema4
Classification: Uncertain significance for Fanconi anemia. Last evaluated: 2021-12-21. Review status: criteria provided, single submitter. Criteria: Sema4 Curation Guidelines. Collection method: curation. Allele origin: germline.
Comment: The FANCB c.2420A>C (p.E807A) variant has not been reported in the literature to our knowledge. It was observed in 1/27419 chromosomes of the Latino subpopulation in the large and broad cohorts of the Genome Aggregation Database (PMID: 32461654), and has been reported in ClinVar (Variation ID 526422). In silico tools suggest the impact of the variant on protein function is benign, though these predictions have not been confirmed by functional studies.The evidence is insufficient to meet ACMG/AMP criteria for classifying the variant as benign or pathogenic. Thus, the clinical significance of this variant is currently uncertain.

NM_001018113.3(FANCB):c.2420A>C (p.Glu807Ala)

Gene: FANCB (FA complementation group B; minus strand). Cytogenetic location: Xp22.2.
Variant type: single nucleotide variant.
Coding change: c.2420A>C on transcript NM_001018113.3 (MANE Select); coding-DNA position 2420, A replaced by C.
Protein change: p.Glu807Ala; replaces glutamic acid 807 with alanine.
Molecular consequence: missense variant.
Genome position (GRCh38, 1-based): chrX:14,843,727, T>G on the plus strand (A>C on the coding strand, the complement: FANCB is on the minus strand). VCF-style: chrX-14843727-T-G. GRCh37 (hg19) VCF-style: chrX-14861849-T-G.
Other names: c.2420A>C, p.Glu807Ala (NM_001324162.2, NM_152633.4); short protein forms E807A.
Identifiers: ClinVar variation 526422 (VCV000526422.7), dbSNP rs1020168794, ClinGen allele CA327057485.
Genomic context (GRCh38, chrX:14,843,727, plus strand): 5'-TTCGTTTGCAACATTTTCTTCTTTTCTCTCTGAAGTTCTTTTCTGTAGGGATGGATATTT[T>G]CCCTTCTGTCTGATAAAGCAGCCGCGACGACACTACTCTTTCCTTTGCTCACTTCACACC-3'
Protein context (NP_001018123.1, residues 797-817): VVAAALSDRR[Glu807Ala]NIHPYRKELQ